The following is an entry in ClinVar:

NM_001199138.2(NLRC4):c.1550G>A (p.Cys517Tyr)

Gene: NLRC4 (NLR family CARD domain containing 4; minus strand). Cytogenetic location: 2p22.3.
Variant type: single nucleotide variant.
Coding change: c.1550G>A on transcript NM_001199138.2 (MANE Select); coding-DNA position 1550, G replaced by A.
Protein change: p.Cys517Tyr; replaces cysteine 517 with tyrosine.
Molecular consequence: missense variant. On other transcripts: intron variant (1).
Genome position (GRCh38, 1-based): chr2:32,250,314, C>T on the plus strand (G>A on the coding strand, the complement: NLRC4 is on the minus strand). VCF-style: chr2-32250314-C-T. GRCh37 (hg19) VCF-style: chr2-32475383-C-T.
Other names: c.1550G>A, p.Cys517Tyr (NM_001199139.2, NM_021209.5); c.262+2105G>A (NM_001302504.1); short protein forms C517Y.
Identifiers: ClinVar variation 4794705 (VCV004794705.1).

ClinVar aggregate classification (germline): Uncertain significance (1 of 4 stars; one submission).

Conditions:
Periodic fever-infantile enterocolitis-autoinflammatory syndrome. Also called: Autoinflammation with infantile enterocolitis. Identifiers: Orphanet 436166, MedGen C4015067, MONDO:0014472, OMIM 616050.
Familial cold autoinflammatory syndrome 4 (FCAS4). Identifiers: Orphanet 47045, Orphanet 576349, MedGen C4015276, MONDO:0014498, OMIM 616115.

gnomAD v4.1: 25 of 1,614,200 alleles (0.0015%); highest among the groups gnomAD compares: Non-Finnish European, 0.0021%; no homozygotes.

Submission:

Labcorp Genetics (formerly Invitae), Labcorp
Classification: Uncertain significance for Periodic fever-infantile enterocolitis-autoinflammatory syndrome; Familial cold autoinflammatory syndrome 4. Last evaluated: 2025-03-26. Review status: criteria provided, single submitter. Criteria: Invitae Variant Classification Sherloc (09022015). Collection method: clinical testing. Allele origin: germline.
Comment: This sequence change replaces cysteine, which is neutral and slightly polar, with tyrosine, which is neutral and polar, at codon 517 of the NLRC4 protein (p.Cys517Tyr). This variant is not present in population databases (gnomAD no frequency). This variant has not been reported in the literature in individuals affected with NLRC4-related conditions. Invitae Evidence Modeling of protein sequence and biophysical properties (such as structural, functional, and spatial information, amino acid conservation, physicochemical variation, residue mobility, and thermodynamic stability) indicates that this missense variant is not expected to disrupt NLRC4 protein function with a negative predictive value of 80%. In summary, the available evidence is currently insufficient to determine the role of this variant in disease. Therefore, it has been classified as a Variant of Uncertain Significance.